The following is an entry in ClinVar:

ClinVar aggregate classification (germline): Conflicting classifications of pathogenicity. Review status: criteria provided, conflicting classifications (1 of 4 stars). 2 submissions from 2 submitters: Uncertain significance (1); Likely benign (1). Last evaluated 2025-11-23.

Allele frequency attached by ClinVar (database versions not stated): TOPMed below 0.00001.
gnomAD v4.1: 5 of 1,613,768 alleles (0.00031%); highest among the groups gnomAD compares: African/African-American, 0.0013%; no homozygotes.

Submissions (2):

Labcorp Genetics (formerly Invitae), Labcorp
Classification: Uncertain significance. Last evaluated: 2025-11-23. Review status: criteria provided, single submitter. Criteria: Invitae Variant Classification Sherloc (09022015). Collection method: clinical testing. Allele origin: germline.
Comment: This sequence change affects codon 407 of the COL11A2 mRNA. It is a 'silent' change, meaning that it does not change the encoded amino acid sequence of the COL11A2 protein. This variant also falls at the last nucleotide of exon 10, which is part of the consensus splice site for this exon. This variant is not present in population databases (gnomAD no frequency). This variant has not been reported in the literature in individuals affected with COL11A2-related conditions. ClinVar contains an entry for this variant (Variation ID: 508701). Variants that disrupt the consensus splice site are a relatively common cause of aberrant splicing (PMID: 17576681, 9536098). Algorithms developed to predict the effect of sequence changes on RNA splicing suggest that this variant may disrupt the consensus splice site. In summary, the available evidence is currently insufficient to determine the role of this variant in disease. Therefore, it has been classified as a Variant of Uncertain Significance.

GeneDx
Classification: Likely benign. Last evaluated: 2017-04-11. Review status: criteria provided, single submitter. Criteria: GeneDx Variant Classification (06012015). Collection method: clinical testing. Allele origin: germline. Affected: yes.
Comment: This variant is considered likely benign or benign based on one or more of the following criteria: it is a conservative change, it occurs at a poorly conserved position in the protein, it is predicted to be benign by multiple in silico algorithms, and/or has population frequency not consistent with disease.

Literature cited by the submitters: PubMed 17576681 (cited by Labcorp Genetics (formerly Invitae), Labcorp); PubMed 9536098 (cited by Labcorp Genetics (formerly Invitae), Labcorp).

NM_080680.3(COL11A2):c.1221G>A (p.Ala407=)

Gene: COL11A2 (collagen type XI alpha 2 chain; minus strand). Cytogenetic location: 6p21.32.
Variant type: single nucleotide variant.
Coding change: c.1221G>A on transcript NM_080680.3 (MANE Select); coding-DNA position 1221, G replaced by A.
Protein change: p.Ala407=; no amino-acid change (alanine 407 retained).
Molecular consequence: synonymous variant.
Genome position (GRCh38, 1-based): chr6:33,180,964, C>T on the plus strand (G>A on the coding strand, the complement: COL11A2 is on the minus strand). VCF-style: chr6-33180964-C-T. GRCh37 (hg19) VCF-style: chr6-33148741-C-T.
Other names: c.900G>A, p.Ala300= (NM_080679.3); c.963G>A, p.Ala321= (NM_080681.3).
Identifiers: ClinVar variation 508701 (VCV000508701.2), dbSNP rs1554221935, ClinGen allele CA449840082.